The following is an entry in ClinVar:

NM_006767.4(LZTR1):c.1449G>T (p.Gln483His)

Gene: LZTR1 (leucine zipper like post translational regulator 1; plus strand). Cytogenetic location: 22q11.21.
Variant type: single nucleotide variant.
Coding change: c.1449G>T on transcript NM_006767.4 (MANE Select); coding-DNA position 1449, G replaced by T.
Protein change: p.Gln483His; replaces glutamine 483 with histidine.
Molecular consequence: missense variant.
Genome position (GRCh38, 1-based): chr22:20,994,019, G>T. VCF-style: chr22-20994019-G-T. GRCh37 (hg19) VCF-style: chr22-21348308-G-T.
Other names: p.Gln483His; short protein forms Q483H.
Identifiers: ClinVar variation 501500 (VCV000501500.7), dbSNP rs1203145822, ClinGen allele CA410775383.

ClinVar aggregate classification (germline): Conflicting classifications of pathogenicity. Review status: criteria provided, conflicting classifications (1 of 4 stars). 3 submissions from 3 submitters: Likely pathogenic (1); Uncertain significance (2). Last evaluated 2025-10-29.

Conditions:
LZTR1-related schwannomatosis. Also called: Schwannomatosis 2; Schwannomatosis-2, susceptibility to. Identifiers: Orphanet 93921, MedGen C3810283, MONDO:0014299, OMIM 615670.

Submissions (3):

Molecular Genetics and NGS Laboratory, Hospital Fundacion Valle Del Lili
Classification: Likely pathogenic for LZTR1-related schwannomatosis. Last evaluated: 2025-10-29. Review status: criteria provided, single submitter. Criteria: ACMG Guidelines, 2015. Collection method: clinical testing. Allele origin: unknown. Inheritance: Autosomal dominant inheritance. Affected: yes. Observed: 1 heterozygote.
Comment: The variant in the LZTR1 gene was reviewed and reclassified as probably pathogenic based on the following American College of Medical Genetics and Genomics (ACMG) criteria in favor of the patient: PM2: Variant not found in gnoma-adverse genomes, good gnoma-adverse genome coverage = 33.8%. Gnoma-adverse exome homozygous allele count = 0 (less than 2 for AD/AR gene LZTR1), good gnoma-adverse exome coverage = 45.1%. PP2: 61 out of 74 non-VUS missense variants in gene LZTR1 are pathogenic = 82.4%, which is more than the threshold of 80.8%. PP3: Variant is predicted splicing: scSNV-ADA = 0.999732 is between 0.999322 and 0.999925, and LOF in gene LZTR1 is known to cause disease (gene has 660 reported pathogenic LOF variants). Aggregated score predicts a deleterious effect (Aggregated score: 0.8; dbscSNV Ada, Splice AI) PP4: Highly probable patient phenotype (schwannomatosis) due to the reported variant in the LZTR1 gene.

Labcorp Genetics (formerly Invitae), Labcorp
Classification: Uncertain significance. Last evaluated: 2025-07-16. Review status: criteria provided, single submitter. Criteria: Invitae Variant Classification Sherloc (09022015). Collection method: clinical testing. Allele origin: germline.
Comment: This sequence change replaces glutamine, which is neutral and polar, with histidine, which is basic and polar, at codon 483 of the LZTR1 protein (p.Gln483His). This variant also falls at the last nucleotide of exon 13, which is part of the consensus splice site for this exon. This variant is not present in population databases (gnomAD no frequency). This variant has not been reported in the literature in individuals affected with LZTR1-related conditions. ClinVar contains an entry for this variant (Variation ID: 501500). An algorithm developed to predict the effect of missense changes on protein structure and function (PolyPhen-2) suggests that this variant is likely to be tolerated. Variants that disrupt the consensus splice site are a relatively common cause of aberrant splicing (PMID: 17576681, 9536098). Algorithms developed to predict the effect of sequence changes on RNA splicing suggest that this variant may disrupt the consensus splice site. In summary, the available evidence is currently insufficient to determine the role of this variant in disease. Therefore, it has been classified as a Variant of Uncertain Significance.

Eurofins Ntd Llc (ga)
Classification: Uncertain significance. Last evaluated: 2017-04-18. Review status: criteria provided, single submitter. Criteria: EGL Classification Definitions 2015. Collection method: clinical testing. Allele origin: germline. Observed: 1 variant allele, 1 heterozygote.

Literature cited by the submitters: PubMed 17576681 (cited by Labcorp Genetics (formerly Invitae), Labcorp); PubMed 9536098 (cited by Labcorp Genetics (formerly Invitae), Labcorp).